The following is an entry in ClinVar:

ClinVar aggregate classification (germline): Pathogenic (1 of 4 stars; one submission).

Conditions:
Intellectual disability, X-linked 102 (MRXSSB). Also called: Intellectual developmental disorder, X-linked syndromic, Snijders Blok type. Identifiers: Orphanet 457260, MedGen C5393299, MONDO:0010497, OMIM 300958.

Submission:

CGC Genetics, Unilabs
Classification: Pathogenic for Intellectual disability, X-linked 102. Last evaluated: 2025-04-10. Review status: criteria provided, single submitter. Criteria: ACMG Guidelines, 2015. Collection method: clinical testing. Allele origin: de novo. Inheritance: X-linked dominant inheritance. Affected: yes. Observed: 1 variant allele.
Comment: The NM_001356.5:c.180G>A p.(Trp60*) variant, detected in heterozygosity in eoxn 4 (of 17) of the DDX3X gene (chr.X), has not been reported in the literature at the time of this submission, nor in gnomAD. This is a nonsense variant that introduces a premature stop codon, which in turn is expected to lead to the creation of a truncated protein and/or a reduction in its expression due to mRNA degradation. This nucleotide substitution is not reported in ClinVar, however, an immediately neighboriung substitution leading to the same nonsense vriant is reported as pathogenic by a single submitter (ClinVar ID: 3336865). Concurrent testing of parents allowed to confirm that this varants is absent in them, suggesting it most likley occurred de novo. With the information currently available, this should be classified as a pathogenic variant. ACMG codes: PVS1; PS2_supporting; PM2_supporting.

NM_001356.5(DDX3X):c.180G>A (p.Trp60Ter)

Gene: DDX3X (DEAD-box helicase 3 X-linked; plus strand). Cytogenetic location: Xp11.4.
Variant type: single nucleotide variant.
Coding change: c.180G>A on transcript NM_001356.5 (MANE Select); coding-DNA position 180, G replaced by A.
Protein change: p.Trp60Ter; replaces tryptophan 60 with a stop codon.
Molecular consequence: nonsense. On other transcripts: 5 prime UTR variant (1), non-coding transcript variant (1).
Genome position (GRCh38, 1-based): chrX:41,341,512, G>A. VCF-style: chrX-41341512-G-A. GRCh37 (hg19) VCF-style: chrX-41200765-G-A.
Other names: c.180G>A, p.Trp60Ter (NM_001193416.3); c.132G>A, p.Trp44Ter (NM_001193417.3); c.-379G>A (NM_001363819.1); short protein forms W44*, W60*.
Identifiers: ClinVar variation 3900655 (VCV003900655.1).